The following is an entry in ClinVar:

ClinVar aggregate classification (germline): Uncertain significance. Review status: criteria provided, multiple submitters, no conflicts (2 of 4 stars). 2 submissions from 2 submitters: Uncertain significance (2). Last evaluated 2021-12-24.

Conditions:
Inborn genetic diseases. Identifiers: MedGen C0950123, MeSH D030342.

Allele frequency attached by ClinVar (database versions not stated): TOPMed 0.00001; ExAC 0.00002; gnomAD 0.00003; gnomAD exomes 0.00005; 1000 Genomes Project 30x 0.00016; 1000 Genomes Project 0.00020.
gnomAD v4.1: 76 of 1,614,042 alleles (0.0047%); highest among the groups gnomAD compares: Middle Eastern, 0.016%; no homozygotes.

Submissions (2):

Labcorp Genetics (formerly Invitae), Labcorp
Classification: Uncertain significance. Last evaluated: 2021-12-24. Review status: criteria provided, single submitter. Criteria: Invitae Variant Classification Sherloc (09022015). Collection method: clinical testing. Allele origin: germline.
Comment: This sequence change replaces threonine, which is neutral and polar, with methionine, which is neutral and non-polar, at codon 311 of the CDH3 protein (p.Thr311Met). This variant is present in population databases (rs527796702, gnomAD 0.01%). This variant has not been reported in the literature in individuals affected with CDH3-related conditions. Algorithms developed to predict the effect of missense changes on protein structure and function are either unavailable or do not agree on the potential impact of this missense change (SIFT: "Not Available"; PolyPhen-2: "Probably Damaging"; Align-GVGD: "Not Available"). In summary, the available evidence is currently insufficient to determine the role of this variant in disease. Therefore, it has been classified as a Variant of Uncertain Significance.

Ambry Genetics
Classification: Uncertain significance for Inborn genetic diseases. Last evaluated: 2021-07-06. Review status: criteria provided, single submitter. Criteria: Ambry Variant Classification Scheme 2023. Collection method: clinical testing. Allele origin: germline.

NM_001793.6(CDH3):c.932C>T (p.Thr311Met)

Gene: CDH3 (cadherin 3; plus strand). Cytogenetic location: 16q22.1.
Variant type: single nucleotide variant.
Coding change: c.932C>T on transcript NM_001793.6 (MANE Select); coding-DNA position 932, C replaced by T.
Protein change: p.Thr311Met; replaces threonine 311 with methionine.
Molecular consequence: missense variant.
Genome position (GRCh38, 1-based): chr16:68,681,032, C>T. VCF-style: chr16-68681032-C-T. GRCh37 (hg19) VCF-style: chr16-68714935-C-T.
Other names: c.932C>T, p.Thr311Met (NM_001317195.3); c.767C>T, p.Thr256Met (NM_001317196.2); short protein forms T256M, T311M.
Identifiers: ClinVar variation 1925791 (VCV001925791.3), dbSNP rs527796702, ClinGen allele CA8129194.
Genomic context (GRCh38, chr16:68,681,032, plus strand): 5'-TCCCTGAGTACACACTGACCATCCAGGCCACAGACATGGATGGGGACGGCTCCACCACCA[C>T]GGCAGTGGCAGTAGTGGAGATCCTTGATGCCAATGACAATGCTCCCATGTTTGACCCCCA-3'
Protein context (NP_001784.2, residues 301-321): TDMDGDGSTT[Thr311Met]AVAVVEILDA